The following is an entry in ClinVar:

NM_002163.4(IRF8):c.-1-232_-1-223dup

Gene: IRF8 (interferon regulatory factor 8; plus strand). Cytogenetic location: 16q24.1.
Variant type: Duplication.
Coding change: c.-1-232_-1-223dup on transcript NM_002163.4 (MANE Select); 232 bases into the intron before 1 bases upstream of the start codon through 223 bases into the intron before 1 bases upstream of the start codon, 10 bases duplicated (TGGTGGCTGC; older notation c.-1-232_-1-223dupTGGTGGCTGC).
Molecular consequence: intron variant.
Genome position (GRCh38, 1-based): chr16:85,902,783-85,902,792, TGGTGGCTGC duplicated; duplicating any 10 consecutive bases within chr16:85,902,777-85,902,792 gives the same sequence; the c. name uses the placement nearest the transcript's 3' end. VCF-style (leftmost placement, unchanged base first): chr16-85902776-G-GGGCTGCTGGT. GRCh37 (hg19) VCF-style: chr16-85936382-G-GGGCTGCTGGT.
Identifiers: ClinVar variation 2688451 (VCV002688451.2), dbSNP rs1555610239, ClinGen allele CA725254213.

ClinVar aggregate classification (germline): Benign (1 of 4 stars; one submission).

Submission:

Unidad de Genómica Garrahan, Hospital de Pediatría Garrahan
Classification: Benign. Last evaluated: 2024-01-24. Review status: criteria provided, single submitter. Criteria: ACMG Guidelines, 2015. Collection method: clinical testing. Allele origin: germline. Affected: no. Observed: 30 variant alleles.
Comment: This variant is classified as Benign based on local population frequency. This variant was detected in 34% of patients studied by a panel of primary immunodeficiencies. Number of patients: 30. Only high quality variants are reported.